The following is an entry in ClinVar:

ClinVar aggregate classification (germline): Uncertain significance (1 of 4 stars; one submission).

Submission:

Labcorp Genetics (formerly Invitae), Labcorp
Classification: Uncertain significance. Last evaluated: 2021-10-18. Review status: criteria provided, single submitter. Criteria: Invitae Variant Classification Sherloc (09022015). Collection method: clinical testing. Allele origin: germline.
Comment: This sequence change replaces leucine with valine at codon 274 of the MCM4 protein (p.Leu274Val). The leucine residue is highly conserved and there is a small physicochemical difference between leucine and valine. This variant is not present in population databases (ExAC no frequency). This variant has not been reported in the literature in individuals affected with MCM4-related conditions. Algorithms developed to predict the effect of missense changes on protein structure and function (SIFT, PolyPhen-2, Align-GVGD) all suggest that this variant is likely to be disruptive. In summary, the available evidence is currently insufficient to determine the role of this variant in disease. Therefore, it has been classified as a Variant of Uncertain Significance.

NM_182746.3(MCM4):c.820C>G (p.Leu274Val)

Gene: MCM4 (minichromosome maintenance complex component 4; plus strand). Cytogenetic location: 8q11.21.
Variant type: single nucleotide variant.
Coding change: c.820C>G on transcript NM_182746.3 (MANE Select); coding-DNA position 820, C replaced by G.
Protein change: p.Leu274Val; replaces leucine 274 with valine.
Molecular consequence: missense variant.
Genome position (GRCh38, 1-based): chr8:47,964,700, C>G. VCF-style: chr8-47964700-C-G. GRCh37 (hg19) VCF-style: chr8-48877260-C-G.
Other names: c.820C>G, p.Leu274Val (NM_005914.4); short protein forms L274V.
Identifiers: ClinVar variation 1387698 (VCV001387698.5), dbSNP rs2154505090, ClinGen allele CA371148063.
Genomic context (GRCh38, chr8:47,964,700, plus strand): 5'-TTAGAACATCAGATTCAAGTAAGACCATTCAACGCATTGAAGACTAAGAATATGAGAAAC[C>G]TGAATCCAGAAGGTAATGTATTTTTCATAGGATTACTTTTGTTGAAGGAAAATGCCTTAC-3'
Protein context (NP_877423.1, residues 264-284): NALKTKNMRN[Leu274Val]NPEDIDQLIT